The following is an entry in ClinVar:

NM_001540.5(HSPB1):c.152G>A (p.Trp51Ter)

Gene: HSPB1 (heat shock protein family B (small) member 1; plus strand). Cytogenetic location: 7q11.23.
Variant type: single nucleotide variant.
Coding change: c.152G>A on transcript NM_001540.5 (MANE Select); coding-DNA position 152, G replaced by A.
Protein change: p.Trp51Ter; replaces tryptophan 51 with a stop codon.
Molecular consequence: nonsense.
Genome position (GRCh38, 1-based): chr7:76,302,864, G>A. VCF-style: chr7-76302864-G-A. GRCh37 (hg19) VCF-style: chr7-75932181-G-A.
Other names: short protein forms W51*.
Identifiers: ClinVar variation 2901535 (VCV002901535.3), dbSNP rs1408159922, ClinGen allele CA367763009.
Genomic context (GRCh38, chr7:76,302,864, plus strand): 5'-AGGCCTTCGGGCTGCCCCGGCTGCCGGAGGAGTGGTCGCAGTGGTTAGGCGGCAGCAGCT[G>A]GCCAGGCTACGTGCGCCCCCTGCCCCCCGCCGCCATCGAGAGCCCCGCAGTGGCCGCGCC-3'

ClinVar aggregate classification (germline): Uncertain significance (1 of 4 stars; one submission).

Conditions:
Charcot-Marie-Tooth disease axonal type 2F (CMT2F). Also called: Charcot-Marie-Tooth Neuropathy Type 2F; CHARCOT-MARIE-TOOTH DISEASE, NEURONAL, TYPE 2F. Identifiers: Orphanet 99940, MedGen C1847823, MONDO:0011687, OMIM 606595.

Allele frequency attached by ClinVar (database versions not stated): gnomAD 0.00001; gnomAD exomes 0.00001; TOPMed 0.00002.
gnomAD v4.1: 6 of 1,586,226 alleles (0.00038%); highest among the groups gnomAD compares: African/African-American, 0.0027%; no homozygotes.

Submission:

Labcorp Genetics (formerly Invitae), Labcorp
Classification: Uncertain significance for Charcot-Marie-Tooth disease axonal type 2F. Last evaluated: 2023-10-28. Review status: criteria provided, single submitter. Criteria: Invitae Variant Classification Sherloc (09022015). Collection method: clinical testing. Allele origin: germline.
Comment: This sequence change creates a premature translational stop signal (p.Trp51*) in the HSPB1 gene. It is expected to result in an absent or disrupted protein product. However, the current clinical and genetic evidence is not sufficient to establish whether loss-of-function variants in HSPB1 cause disease. The frequency data for this variant in the population databases is considered unreliable, as metrics indicate poor data quality at this position in the gnomAD database. This premature translational stop signal has been observed in individual(s) with Charcot-Marie-Tooth disease (PMID: 32376792). In summary, the available evidence is currently insufficient to determine the role of this variant in disease. Therefore, it has been classified as a Variant of Uncertain Significance.

Literature cited by the submitters: PubMed 32376792.